The following is an entry in ClinVar:

NM_000234.3(LIG1):c.216T>G (p.Asp72Glu)

Gene: LIG1 (DNA ligase 1; minus strand). Cytogenetic location: 19q13.33.
Variant type: single nucleotide variant.
Coding change: c.216T>G on transcript NM_000234.3 (MANE Select); coding-DNA position 216, T replaced by G.
Protein change: p.Asp72Glu; replaces aspartic acid 72 with glutamic acid.
Molecular consequence: missense variant. On other transcripts: non-coding transcript variant (6).
Genome position (GRCh38, 1-based): chr19:48,161,399, A>C on the plus strand (T>G on the coding strand, the complement: LIG1 is on the minus strand). VCF-style: chr19-48161399-A-C. GRCh37 (hg19) VCF-style: chr19-48664656-A-C.
Other names: c.126T>G, p.Asp42Glu (NM_001289063.2, NM_001320971.2); c.216T>G, p.Asp72Glu (NM_001289064.2, NM_001320970.2); short protein forms D42E, D72E.
Identifiers: ClinVar variation 1936221 (VCV001936221.3), dbSNP rs758728645, ClinGen allele CA9547399.

ClinVar aggregate classification (germline): Uncertain significance. Review status: criteria provided, multiple submitters, no conflicts (2 of 4 stars). 2 submissions from 2 submitters: Uncertain significance (2). Last evaluated 2024-11-10.

Allele frequency attached by ClinVar (database versions not stated): gnomAD exomes below 0.00001; ExAC 0.00001; TOPMed 0.00003.
gnomAD v4.1: 1 of 1,614,086 alleles (0.000062%); highest among the groups gnomAD compares: Admixed American, 0.0017%; no homozygotes.

Submissions (2):

Ambry Genetics
Classification: Uncertain significance. Last evaluated: 2024-11-10. Review status: criteria provided, single submitter. Criteria: Ambry Variant Classification Scheme 2023. Collection method: clinical testing. Allele origin: germline.

Labcorp Genetics (formerly Invitae), Labcorp
Classification: Uncertain significance. Last evaluated: 2022-03-20. Review status: criteria provided, single submitter. Criteria: Invitae Variant Classification Sherloc (09022015). Collection method: clinical testing. Allele origin: germline.
Comment: This sequence change replaces aspartic acid, which is acidic and polar, with glutamic acid, which is acidic and polar, at codon 72 of the LIG1 protein (p.Asp72Glu). This variant is present in population databases (rs758728645, gnomAD 0.003%). This variant has not been reported in the literature in individuals affected with LIG1-related conditions. Algorithms developed to predict the effect of missense changes on protein structure and function output the following: SIFT: "Tolerated"; PolyPhen-2: "Benign"; Align-GVGD: "Class C0". The glutamic acid amino acid residue is found in multiple mammalian species, which suggests that this missense change does not adversely affect protein function. In summary, the available evidence is currently insufficient to determine the role of this variant in disease. Therefore, it has been classified as a Variant of Uncertain Significance.